The following is an entry in ClinVar:

NM_025243.4(SLC19A3):c.*1953G>A

Gene: SLC19A3 (solute carrier family 19 member 3; minus strand). Cytogenetic location: 2q36.3.
Variant type: single nucleotide variant.
Coding change: c.*1953G>A on transcript NM_025243.4 (MANE Select); 1953 bases downstream of the stop codon, G replaced by A.
Molecular consequence: 3 prime UTR variant.
Genome position (GRCh38, 1-based): chr2:227,685,444, C>T on the plus strand (G>A on the coding strand, the complement: SLC19A3 is on the minus strand). VCF-style: chr2-227685444-C-T. GRCh37 (hg19) VCF-style: chr2-228550160-C-T.
Identifiers: ClinVar variation 334840 (VCV000334840.6), dbSNP rs113979210, ClinGen allele CA10614484.
Genomic context (GRCh38, chr2:227,685,444, plus strand): 5'-TTAAACTACCAGATCTCACGATAACTCACTGTCATGAGACCAGCACTGAGGGGACGGTGC[C>T]AAACCATTCATGAAGGCTTCACACCCATGATCCAGTCGCCTCCCAGCCGGCCCCACCTCT-3'

ClinVar aggregate classification (germline): Benign. Review status: criteria provided, multiple submitters, no conflicts (2 of 4 stars). 2 submissions from 2 submitters: Benign (2). Last evaluated 2018-01-12.

Conditions:
Biotin-responsive basal ganglia disease (BTBGD). Also called: Thiamine Transporter-2 Deficiency; THIAMINE METABOLISM DYSFUNCTION SYNDROME 2 (BIOTIN- AND THIAMINE-RESPONSIVE TYPE); Thiamine metabolism dysfunction syndrome type 2; Thiamine metabolism dysfunction syndrome 2 (biotin- or thiamine-responsive encephalopathy type 2); thiamine-responsive encephalopathy. Identifiers: Orphanet 199348, Orphanet 65284, MedGen C1843807, MONDO:0011841, OMIM 607483.

Allele frequency attached by ClinVar (database versions not stated): gnomAD 0.07440 and 0.07926; TOPMed 0.08325; 1000 Genomes Project 0.08427; 1000 Genomes Project 30x 0.09541.

Submissions (2):

Illumina Laboratory Services, Illumina
Classification: Benign for Biotin-responsive basal ganglia disease. Last evaluated: 2018-01-12. Review status: criteria provided, single submitter. Criteria: ICSL Variant Classification Criteria 13 December 2019. Collection method: clinical testing. Allele origin: germline.
Comment: This variant was observed in the ICSL laboratory as part of a predisposition screen in an ostensibly healthy population. It had not been previously curated by ICSL or reported in the Human Gene Mutation Database (HGMD: prior to June 1st, 2018), and was therefore a candidate for classification through an automated scoring system. Utilizing variant allele frequency, disease prevalence and penetrance estimates, and inheritance mode, an automated score was calculated to assess if this variant is too frequent to cause the disease. Based on the score and internal cut-off values, a variant classified as benign is not then subjected to further curation. The score for this variant resulted in a classification of benign for this disease.

Breakthrough Genomics
Classification: Benign. Review status: criteria provided, single submitter. Criteria: ACMG Guidelines, 2015. Collection method: not provided. Allele origin: germline. Inheritance: Autosomal recessive inheritance. Affected: yes.